The following is an entry in ClinVar:

ClinVar aggregate classification (germline): Uncertain significance. Review status: criteria provided, multiple submitters, no conflicts (2 of 4 stars). 2 submissions from 2 submitters: Uncertain significance (2). Last evaluated 2022-03-31.

Conditions:
Inborn genetic diseases. Identifiers: MedGen C0950123, MeSH D030342.
Microcephaly 1, primary, autosomal recessive (MCPH1). Also called: PREMATURE CHROMOSOME CONDENSATION SYNDROME; PCC SYNDROME; PREMATURE CHROMOSOME CONDENSATION WITH MICROCEPHALY AND MENTAL RETARDATION. Identifiers: Orphanet 2512, MedGen C1855081, MONDO:0009617, OMIM 251200.

Allele frequency attached by ClinVar (database versions not stated): gnomAD exomes 0.00002; TOPMed 0.00002; ExAC 0.00003.
gnomAD v4.1: 26 of 1,582,354 alleles (0.0016%); highest among the groups gnomAD compares: South Asian, 0.027%; no homozygotes.

Submissions (2):

Victorian Clinical Genetics Services, Murdoch Childrens Research Institute
Classification: Uncertain significance for Microcephaly 1, primary, autosomal recessive. Last evaluated: 2022-03-31. Review status: criteria provided, single submitter. Criteria: ACMG Guidelines, 2015. Collection method: clinical testing. Allele origin: germline. Inheritance: Autosomal recessive inheritance. Affected: yes.
Comment: Based on the classification scheme VCGS_Germline_v1.3.4, this variant is classified as VUS-3B. Following criteria are met: 0102 - Loss of function is a known mechanism of disease in this gene and is associated with primary microcephaly 1 (MIM#251200). (I) 0106 - This gene is associated with autosomal recessive disease. (I) 0212 - Non-canonical splice site variant without proven consequence on splicing (no functional evidence available). (SP) 0251 - This variant is heterozygous. (I) 0304 - Variant is present in gnomAD <0.01 for a recessive condition (v2: 3 heterozygotes, 0 homozygotes). (SP) 0506 - Abnormal splicing is not predicted and nucleotide is highly conserved. (I) 0705 - No comparable splice site variants have previous evidence for pathogenicity. (I) 0807 - This variant has no previous evidence of pathogenicity. (I) 0905 - No published segregation evidence has been identified for this variant. (I) 1007 - No published functional evidence has been identified for this variant. (I) 1208 - Inheritance information for this variant is not currently available in this individual. (I) Legend: (SP) - Supporting pathogenic, (I) - Information, (SB) - Supporting benign

Ambry Genetics
Classification: Uncertain significance for Inborn genetic diseases. Last evaluated: 2021-04-29. Review status: criteria provided, single submitter. Criteria: Ambry Variant Classification Scheme 2023. Collection method: clinical testing. Allele origin: germline.
Comment: The c.1935+6T>C intronic alteration consists of a T to C substitution nucleotides after coding exon 9 in the MCPH1 gene. Based on insufficient or conflicting evidence, the clinical significance of this alteration remains unclear.

NM_024596.5(MCPH1):c.1935+6T>C

Gene: MCPH1 (microcephalin 1; plus strand). Cytogenetic location: 8p23.1.
Variant type: single nucleotide variant.
Coding change: c.1935+6T>C on transcript NM_024596.5 (MANE Select); 6 bases into the intron after coding-DNA position 1935, T replaced by C.
Molecular consequence: intron variant.
Genome position (GRCh38, 1-based): chr8:6,455,258, T>C. VCF-style: chr8-6455258-T-C. GRCh37 (hg19) VCF-style: chr8-6312779-T-C.
Other names: c.1935+6T>C (NM_001322042.2, NM_001363980.2, NM_001363979.1 and 1 more transcripts).
Identifiers: ClinVar variation 1805430 (VCV001805430.4), dbSNP rs758473880, ClinGen allele CA4610706.
Genomic context (GRCh38, chr8:6,455,258, plus strand): 5'-TAAGGACCTCATCAAACCTCATGAGGAATTGAAGAAAAGTGGGAGAGGCAAAAAGGTCAG[T>C]GTGTAAAAATATTATTTTAAACTTTCAAATGCTGATACATCATAATGTTCTTCTCTGGGT-3'